The following is an entry in ClinVar:

NM_017780.4(CHD7):c.1924_1931del (p.Lys642fs)

Genes: CHD7 (chromodomain helicase DNA binding protein 7; plus strand), LOC126860403 (CDK7 strongly-dependent group 2 enhancer GRCh37_chr8:61693034-61694233; plus strand). Cytogenetic location: 8q12.2.
Variant type: Microsatellite.
Coding change: c.1924_1931del on transcript NM_017780.4 (MANE Select); coding-DNA positions 1924 to 1931, 8 bases deleted (AAGAAAAA; older notation c.1924_1931delAAGAAAAA).
Protein change: p.Lys642fs; shifts the reading frame from lysine 642.
Molecular consequence: frameshift variant. On other transcripts: intron variant (1).
Genome position (GRCh38, 1-based): chr8:60,781,258-60,781,265, AAGAAAAA deleted; deleting any 8 consecutive bases within chr8:60,781,250-60,781,265 gives the same sequence; the c. name uses the placement nearest the transcript's 3' end. VCF-style (leftmost placement, unchanged base first): chr8-60781249-GAAGAAAAA-G. GRCh37 (hg19) VCF-style: chr8-61693808-GAAGAAAAA-G.
Other names: c.1716+208_1716+215del (NM_001316690.1); short protein forms K642fs.
Identifiers: ClinVar variation 4875443 (VCV004875443.2).

ClinVar aggregate classification (germline): Pathogenic (1 of 4 stars; one submission).

Submission:

CeGaT Center for Human Genetics Tuebingen
Classification: Pathogenic. Last evaluated: 2026-06-01. Review status: criteria provided, single submitter. Criteria: CeGaT Center For Human Genetics Tuebingen Variant Classification Criteria Version 2. Collection method: clinical testing. Allele origin: germline. Affected: yes. Observed: 1 variant allele.
Comment: CHD7: PVS1, PS2, PM2, PS4:Supporting